The following is an entry in ClinVar:

NC_000003.11:g.(?_119187869)_(119199039_?)dup

Gene: POGLUT1 (protein O-glucosyltransferase 1; plus strand). Cytogenetic location: 3q13.33.
Variant type: Duplication.
Identifiers: ClinVar variation 2427358 (VCV002427358.4).

ClinVar aggregate classification (germline): Uncertain significance (1 of 4 stars; one submission).

Submission:

Labcorp Genetics (formerly Invitae), Labcorp
Classification: Uncertain significance. Last evaluated: 2022-08-07. Review status: criteria provided, single submitter. Criteria: Invitae Variant Classification Sherloc (09022015). Collection method: clinical testing. Allele origin: germline.
Comment: In summary, the available evidence is currently insufficient to determine the role of this variant in disease. Therefore, it has been classified as a Variant of Uncertain Significance. Experimental studies and prediction algorithms are not available or were not evaluated, and the functional significance of this variant is currently unknown. This variant has not been reported in the literature in individuals affected with POGLUT1-related conditions. This variant results in a copy number gain of the genomic region encompassing exon(s) 1-5 of the POGLUT1 gene. This region includes the initiator codon of the gene. This copy number gain extends beyond the assayed region for this gene and therefore may encompass additional genes. As the precise location of this event is unknown, it may be in tandem or it may be located elsewhere in the genome.